The following is an entry in ClinVar:

ClinVar aggregate classification (germline): Uncertain significance. Review status: criteria provided, multiple submitters, no conflicts (2 of 4 stars). 5 submissions from 5 submitters: Uncertain significance (5). Last evaluated 2026-07-08.

Conditions:
Nephronophthisis. Also called: Juvenile Nephronophthisis. Identifiers: Orphanet 655, MedGen C0687120, MONDO:0019005, HP:0000090.
Jeune thoracic dystrophy. Also called: Short-rib thoracic dysplasia; Jeune syndrome; Infantile thoracic dystrophy; Thoracic pelvic phalangeal dystrophy; Jeune's syndrome; Chondroectodermal dysplasia-like syndrome. Identifiers: Orphanet 474, MedGen C0265275, MONDO:0018770.
TTC21B-related disorder. Also called: TTC21B-related condition; TTC21B-related disorders.
Nephronophthisis 12 (NPHP12). Identifiers: Orphanet 655, MedGen C3151186, MONDO:0013442, OMIM 613820.
Asphyxiating thoracic dystrophy 4 (SRTD4). Also called: SHORT-RIB THORACIC DYSPLASIA 4 WITH OR WITHOUT POLYDACTYLY; SHORT-RIB THORACIC DYSPLASIA 4. Identifiers: Orphanet 474, MedGen C3151185, MONDO:0013441, OMIM 613819.

Allele frequency attached by ClinVar (database versions not stated): gnomAD exomes 0.00001 and 0.00002; ExAC 0.00002; gnomAD 0.00003; TOPMed 0.00003; ESP Exome Variant Server 0.00008.
gnomAD v4.1: 16 of 1,614,068 alleles (0.00099%); highest among the groups gnomAD compares: African/African-American, 0.021%; no homozygotes.

Submissions (5):

PreventionGenetics, part of Exact Sciences
Classification: Uncertain significance for TTC21B-related condition. Last evaluated: 2026-07-08. Review status: criteria provided, single submitter. Criteria: ACMG Guidelines, 2015. Collection method: clinical testing. Allele origin: germline.
Comment: The TTC21B c.1798G>T variant is predicted to result in the amino acid substitution p.Ala600Ser. To our knowledge, this variant has not been reported in the literature. This variant is reported in 0.020% of alleles in individuals of African descent in gnomAD. At this time, the clinical significance of this variant is uncertain due to the absence of conclusive functional and genetic evidence.

GeneDx
Classification: Uncertain significance. Last evaluated: 2023-10-23. Review status: criteria provided, single submitter. Criteria: GeneDx Variant Classification Process June 2021. Collection method: clinical testing. Allele origin: germline. Affected: yes.
Comment: In silico analysis supports that this missense variant does not alter protein structure/function; Has not been previously published as pathogenic or benign to our knowledge

Labcorp Genetics (formerly Invitae), Labcorp
Classification: Uncertain significance for Jeune thoracic dystrophy; Nephronophthisis. Last evaluated: 2022-11-01. Review status: criteria provided, single submitter. Criteria: Invitae Variant Classification Sherloc (09022015). Collection method: clinical testing. Allele origin: germline.
Comment: In summary, the available evidence is currently insufficient to determine the role of this variant in disease. Therefore, it has been classified as a Variant of Uncertain Significance. Algorithms developed to predict the effect of missense changes on protein structure and function output the following: SIFT: "Tolerated"; PolyPhen-2: "Benign"; Align-GVGD: "Class C0". The serine amino acid residue is found in multiple mammalian species, which suggests that this missense change does not adversely affect protein function. ClinVar contains an entry for this variant (Variation ID: 1489444). This variant has not been reported in the literature in individuals affected with TTC21B-related conditions. This variant is present in population databases (rs369672356, gnomAD 0.02%). This sequence change replaces alanine, which is neutral and non-polar, with serine, which is neutral and polar, at codon 600 of the TTC21B protein (p.Ala600Ser).

Fulgent Genetics
Classification: Uncertain significance for Asphyxiating thoracic dystrophy 4; Nephronophthisis 12. Last evaluated: 2022-02-01. Review status: criteria provided, single submitter. Criteria: ACMG Guidelines, 2015. Collection method: clinical testing. Allele origin: unknown.

Blueprint Genetics
Classification: Uncertain significance. Last evaluated: 2021-09-14. Review status: criteria provided, single submitter. Criteria: ACMG Guidelines, 2015. Collection method: clinical testing. Allele origin: germline.

NM_024753.5(TTC21B):c.1798G>T (p.Ala600Ser)

Gene: TTC21B (tetratricopeptide repeat domain 21B; minus strand). Cytogenetic location: 2q24.3.
Variant type: single nucleotide variant.
Coding change: c.1798G>T on transcript NM_024753.5 (MANE Select); coding-DNA position 1798, G replaced by T.
Protein change: p.Ala600Ser; replaces alanine 600 with serine.
Molecular consequence: missense variant.
Genome position (GRCh38, 1-based): chr2:165,917,358, C>A on the plus strand (G>T on the coding strand, the complement: TTC21B is on the minus strand). VCF-style: chr2-165917358-C-A. GRCh37 (hg19) VCF-style: chr2-166773868-C-A.
Other names: c.1798G>T (NM_024753.4); short protein forms A600S.
Identifiers: ClinVar variation 1489444 (VCV001489444.10), dbSNP rs369672356, ClinGen allele CA1942014.